The following is an entry in ClinVar:

ClinVar aggregate classification (germline): Uncertain significance (1 of 4 stars; one submission).

Submission:

GeneDx
Classification: Uncertain significance. Last evaluated: 2013-07-29. Review status: criteria provided, single submitter. Criteria: GeneDx Variant Classification (06012015). Collection method: clinical testing. Allele origin: germline. Affected: yes.
Comment: The N830K missense substitution has not been published as a mutation, nor has it been reported as a benign polymorphism to our knowledge. N830K is a non-conservative amino acid substitution with a neutral Asparagine residue being replaced by a positively charged Lysine residue. The N830K variant was not observed in approximately 6,500 individuals of European and African American ancestry in the NHLBI Exome Sequencing Project, indicating it is not a common benign variant in these populations. The position at which this substitution occurs is highly conserved within the RAS-GEF domain of the protein, but not in related proteins. The vast majority of missense changes in SOS1 are pathogenic; however, a small number of missense polymorphisms have been identified in this gene. Therefore, the N830K missense substitution is interpreted as a variant of unknown significance. The variant is found in NOONAN panel(s).

NM_005633.4(SOS1):c.2490C>G (p.Asn830Lys)

Gene: SOS1 (SOS Ras/Rac guanine nucleotide exchange factor 1; minus strand). Cytogenetic location: 2p22.1.
Variant type: single nucleotide variant.
Coding change: c.2490C>G on transcript NM_005633.4 (MANE Select); coding-DNA position 2490, C replaced by G.
Protein change: p.Asn830Lys; replaces asparagine 830 with lysine.
Molecular consequence: missense variant.
Genome position (GRCh38, 1-based): chr2:39,010,604, G>C on the plus strand (C>G on the coding strand, the complement: SOS1 is on the minus strand). VCF-style: chr2-39010604-G-C. GRCh37 (hg19) VCF-style: chr2-39237745-G-C.
Other names: p.N830K:AAC>AAG; c.2469C>G, p.Asn823Lys (NM_001382394.1); c.2490C>G, p.Asn830Lys (NM_001382395.1); short protein forms N830K, N823K.
Identifiers: ClinVar variation 181539 (VCV000181539.2), dbSNP rs730881029, ClinGen allele CA297216.